The following is an entry in ClinVar:

ClinVar aggregate classification (germline): Pathogenic/Likely pathogenic. Review status: criteria provided, multiple submitters, no conflicts (2 of 4 stars). 3 submissions from 3 submitters: Pathogenic (2); Likely pathogenic (1). Last evaluated 2025-01-29.

Conditions:
Medium-chain acyl-coenzyme A dehydrogenase deficiency (ACADMD). Also called: MCAD Deficiency; ACADM DEFICIENCY; MCADD; Medium chain acyl-CoA dehydrogenase deficiency; CARNITINE DEFICIENCY SECONDARY TO MEDIUM-CHAIN ACYL-CoA DEHYDROGENASE DEFICIENCY; MCADH DEFICIENCY. Identifiers: Orphanet 42, MedGen C0220710, MONDO:0008721, OMIM 201450.

Allele frequency attached by ClinVar (database versions not stated): gnomAD 0.00001.

Submissions (3):

Natera, Inc.
Classification: Likely pathogenic for Medium Chain Acyl-CoA Dehydrogenase Deficiency. Last evaluated: 2025-01-29. Review status: criteria provided, single submitter. Criteria: Natera Variant Classification Schema (03/2026). Collection method: clinical testing. Allele origin: germline.
Comment: The c.1012C>T variant in ACADM is a nonsense variant predicted to introduce a stop codon at amino acid 338. This variant is expected to result in nonsense mediated decay, truncation, or a dysfunctional protein product. This variant is rare in the general population with a frequency below the threshold expected for the associated phenotype(s). Given the available evidence, this variant is classified as Likely Pathogenic.

Labcorp Genetics (formerly Invitae), Labcorp
Classification: Pathogenic for Medium-chain acyl-coenzyme A dehydrogenase deficiency. Last evaluated: 2023-04-28. Review status: criteria provided, single submitter. Criteria: Invitae Variant Classification Sherloc (09022015). Collection method: clinical testing. Allele origin: germline.
Comment: For these reasons, this variant has been classified as Pathogenic. ClinVar contains an entry for this variant (Variation ID: 226087). This premature translational stop signal has been observed in individual(s) with medium-chain acyl-coenzyme A dehydrogenase deficiency (PMID: 1684086). This variant is present in population databases (no rsID available, gnomAD 0.1%). This sequence change creates a premature translational stop signal (p.Gln338*) in the ACADM gene. It is expected to result in an absent or disrupted protein product. Loss-of-function variants in ACADM are known to be pathogenic (PMID: 16121256, 20434380).

ARUP Laboratories, Molecular Genetics and Genomics, ARUP Laboratories
Classification: Pathogenic for Medium-chain acyl-coenzyme A dehydrogenase deficiency. Last evaluated: 2015-02-20. Review status: criteria provided, single submitter. Criteria: ACMG Guidelines, 2015. Collection method: clinical testing. Allele origin: germline. Inheritance: Autosomal recessive inheritance. Observed: 1 heterozygote.

Literature cited by the submitters: PubMed 1684086 (cited by Labcorp Genetics (formerly Invitae), Labcorp); PubMed 16121256 (cited by Labcorp Genetics (formerly Invitae), Labcorp); PubMed 20434380 (cited by Labcorp Genetics (formerly Invitae), Labcorp).

NM_000016.6(ACADM):c.1012C>T (p.Gln338Ter)

Gene: ACADM (acyl-CoA dehydrogenase medium chain; plus strand). Cytogenetic location: 1p31.1.
Variant type: single nucleotide variant.
Coding change: c.1012C>T on transcript NM_000016.6 (MANE Select); coding-DNA position 1012, C replaced by T.
Protein change: p.Gln338Ter; replaces glutamine 338 with a stop codon.
Molecular consequence: nonsense.
Genome position (GRCh38, 1-based): chr1:75,761,188, C>T. VCF-style: chr1-75761188-C-T. GRCh37 (hg19) VCF-style: chr1-76226873-C-T.
Other names: c.1024C>T, p.Gln342Ter (NM_001127328.3); c.904C>T, p.Gln302Ter (NM_001286042.2); c.1111C>T, p.Gln371Ter (NM_001286043.2); c.445C>T, p.Gln149Ter (NM_001286044.2); c.1012C>T (NM_000016.5); short protein forms Q338*, Q342*, Q149*, Q302*, Q371*.
Identifiers: ClinVar variation 226087 (VCV000226087.12), dbSNP rs796051896, ClinGen allele CA10576241.